The following is an entry in ClinVar:

NM_001042681.2(RERE):c.3149C>A (p.Pro1050Gln)

Gene: RERE (arginine-glutamic acid dipeptide repeats; minus strand). Cytogenetic location: 1p36.23.
Variant type: single nucleotide variant.
Coding change: c.3149C>A on transcript NM_001042681.2 (MANE Select); coding-DNA position 3149, C replaced by A.
Protein change: p.Pro1050Gln; replaces proline 1050 with glutamine.
Molecular consequence: missense variant.
Genome position (GRCh38, 1-based): chr1:8,360,358, G>T on the plus strand (C>A on the coding strand, the complement: RERE is on the minus strand). VCF-style: chr1-8360358-G-T. GRCh37 (hg19) VCF-style: chr1-8420418-G-T.
Other names: c.1487C>A, p.Pro496Gln (NM_001042682.2); c.3149C>A, p.Pro1050Gln (NM_012102.4); short protein forms P1050Q, P496Q.
Identifiers: ClinVar variation 1700914 (VCV001700914.2), dbSNP rs764049309, ClinGen allele CA338171166.

ClinVar aggregate classification (germline): Uncertain significance (1 of 4 stars; one submission).

Submission:

GeneDx
Classification: Uncertain significance. Last evaluated: 2022-02-11. Review status: criteria provided, single submitter. Criteria: GeneDx Variant Classification Process June 2021. Collection method: clinical testing. Allele origin: germline. Affected: yes.
Comment: Not observed at significant frequency in large population cohorts (gnomAD); In silico analysis supports that this missense variant has a deleterious effect on protein structure/function; In silico analysis, which includes splice predictors and evolutionary conservation, suggests this variant may impact gene splicing. In the absence of RNA/functional studies, the actual effect of this sequence change is unknown.; Located in the Pro-rich compositional bias region; Has not been previously published as pathogenic or benign to our knowledge